The following is an entry in ClinVar:

NM_015425.6(POLR1A):c.4579G>C (p.Val1527Leu)

Gene: POLR1A (RNA polymerase I subunit A; minus strand). Cytogenetic location: 2p11.2.
Variant type: single nucleotide variant.
Coding change: c.4579G>C on transcript NM_015425.6 (MANE Select); coding-DNA position 4579, G replaced by C.
Protein change: p.Val1527Leu; replaces valine 1527 with leucine.
Molecular consequence: missense variant.
Genome position (GRCh38, 1-based): chr2:86,030,396, C>G on the plus strand (G>C on the coding strand, the complement: POLR1A is on the minus strand). VCF-style: chr2-86030396-C-G. GRCh37 (hg19) VCF-style: chr2-86257519-C-G.
Other names: short protein forms V1527L.
Identifiers: ClinVar variation 2906376 (VCV002906376.3), dbSNP rs763810539, ClinGen allele CA1745453.

ClinVar aggregate classification (germline): Uncertain significance (1 of 4 stars; one submission).

Allele frequency attached by ClinVar (database versions not stated): ExAC 0.00003; gnomAD 0.00005.
gnomAD v4.1: 12 of 1,611,592 alleles (0.00074%); highest among the groups gnomAD compares: African/African-American, 0.012%; no homozygotes.

Submission:

Labcorp Genetics (formerly Invitae), Labcorp
Classification: Uncertain significance. Last evaluated: 2023-01-26. Review status: criteria provided, single submitter. Criteria: Invitae Variant Classification Sherloc (09022015). Collection method: clinical testing. Allele origin: germline.
Comment: An algorithm developed to predict the effect of missense changes on protein structure and function (PolyPhen-2) suggests that this variant is likely to be tolerated. This sequence change replaces valine, which is neutral and non-polar, with leucine, which is neutral and non-polar, at codon 1527 of the POLR1A protein (p.Val1527Leu). This variant is present in population databases (rs763810539, gnomAD 0.01%). This variant has not been reported in the literature in individuals affected with POLR1A-related conditions. In summary, the available evidence is currently insufficient to determine the role of this variant in disease. Therefore, it has been classified as a Variant of Uncertain Significance.